The following is an entry in ClinVar:

ClinVar aggregate classification (germline): Benign. Review status: criteria provided, multiple submitters, no conflicts (2 of 4 stars). 2 submissions from 2 submitters: Benign (2). Last evaluated 2018-01-13.

Conditions:
Fraser syndrome 2 (FRASRS2). Identifiers: MedGen C4540036, MONDO:0054738, OMIM 617666.

Allele frequency attached by ClinVar (database versions not stated): 1000 Genomes Project 0.08446; 1000 Genomes Project 30x 0.08651; gnomAD 0.09184 and 0.09426; TOPMed 0.10301; gnomAD exomes 0.11885.

Submissions (2):

Illumina Laboratory Services, Illumina
Classification: Benign for Fraser syndrome 2. Last evaluated: 2018-01-13. Review status: criteria provided, single submitter. Criteria: ICSL Variant Classification Criteria 13 December 2019. Collection method: clinical testing. Allele origin: germline.
Comment: This variant was observed in the ICSL laboratory as part of a predisposition screen in an ostensibly healthy population. It had not been previously curated by ICSL or reported in the Human Gene Mutation Database (HGMD: prior to June 1st, 2018), and was therefore a candidate for classification through an automated scoring system. Utilizing variant allele frequency, disease prevalence and penetrance estimates, and inheritance mode, an automated score was calculated to assess if this variant is too frequent to cause the disease. Based on the score and internal cut-off values, a variant classified as benign is not then subjected to further curation. The score for this variant resulted in a classification of benign for this disease.

Breakthrough Genomics
Classification: Benign. Review status: criteria provided, single submitter. Criteria: ACMG Guidelines, 2015. Collection method: not provided. Allele origin: germline. Inheritance: Autosomal recessive inheritance. Affected: yes.

NM_207361.6(FREM2):c.*992T>C

Gene: FREM2 (FRAS1 related extracellular matrix 2; plus strand). Cytogenetic location: 13q13.3.
Variant type: single nucleotide variant.
Coding change: c.*992T>C on transcript NM_207361.6 (MANE Select); 992 bases downstream of the stop codon, T replaced by C.
Molecular consequence: 3 prime UTR variant.
Genome position (GRCh38, 1-based): chr13:38,881,779, T>C. VCF-style: chr13-38881779-T-C. GRCh37 (hg19) VCF-style: chr13-39455916-T-C.
Identifiers: ClinVar variation 312046 (VCV000312046.6), dbSNP rs9532297, ClinGen allele CA10643434.
Genomic context (GRCh38, chr13:38,881,779, plus strand): 5'-GATGGTGAAGGGAGAAAGTGGTATTTATTAATATAATGTGTATAATCAGAGTGCCTCTTA[T>C]ACATACTTTATAGAATAAAGGAACATTTTGACAGATGAGGTTATCCCTCGGAGTAGCGTA-3'